The following is an entry in ClinVar:

ClinVar aggregate classification (germline): Pathogenic (1 of 4 stars; one submission).

Conditions:
Phenylketonuria (PKU). Also called: FOLLING DISEASE; Phenylketonuria (PKU); OLIGOPHRENIA PHENYLPYRUVICA; Phenylketonurias. Identifiers: Orphanet 716, MedGen C0031485, MONDO:0009861, OMIM 261600. Disease mechanism: loss of function.

Submission:

Labcorp Genetics (formerly Invitae), Labcorp
Classification: Pathogenic for Phenylketonuria. Last evaluated: 2021-02-19. Review status: criteria provided, single submitter. Criteria: Invitae Variant Classification Sherloc (09022015). Collection method: clinical testing. Allele origin: germline.
Comment: This sequence change affects an acceptor splice site in intron 3 of the PAH gene. It is expected to disrupt RNA splicing. Variants that disrupt the donor or acceptor splice site typically lead to a loss of protein function (PMID: 16199547), and loss-of-function variants in PAH are known to be pathogenic (PMID: 1301187, 9634518). This variant is not present in population databases (ExAC no frequency). Disruption of this splice site has been observed in individual(s) with phenylketonuria (PMID: 19444284, 10234516). ClinVar contains an entry for this variant (Variation ID: 856190). Algorithms developed to predict the effect of sequence changes on RNA splicing suggest that this variant may disrupt the consensus splice site, but this prediction has not been confirmed by published transcriptional studies. For these reasons, this variant has been classified as Pathogenic.

Literature cited by the submitters: PubMed 16199547; PubMed 1301187; PubMed 9634518; PubMed 19444284; PubMed 10234516.

NM_000277.3(PAH):c.353-1G>A

Gene: PAH (phenylalanine hydroxylase; minus strand). Cytogenetic location: 12q23.2.
Variant type: single nucleotide variant.
Coding change: c.353-1G>A on transcript NM_000277.3 (MANE Select); the canonical splice acceptor site of the intron before coding-DNA position 353, G replaced by A.
Molecular consequence: splice acceptor variant.
Genome position (GRCh38, 1-based): chr12:102,877,551, C>T on the plus strand (G>A on the coding strand, the complement: PAH is on the minus strand). VCF-style: chr12-102877551-C-T. GRCh37 (hg19) VCF-style: chr12-103271329-C-T.
Other names: c.353-1G>A (NM_001354304.2).
Identifiers: ClinVar variation 856190 (VCV000856190.10), dbSNP rs1876628530, ClinGen allele CA16020773.